The following is an entry in ClinVar:

ClinVar aggregate classification (germline): Uncertain significance (1 of 4 stars; one submission).

Allele frequency attached by ClinVar (database versions not stated): gnomAD exomes below 0.00001; TOPMed 0.00001.
gnomAD v4.1: 3 of 1,612,542 alleles (0.00019%); highest among the groups gnomAD compares: Non-Finnish European, 0.00025%; no homozygotes.

Submission:

Labcorp Genetics (formerly Invitae), Labcorp
Classification: Uncertain significance. Last evaluated: 2025-01-06. Review status: criteria provided, single submitter. Criteria: Invitae Variant Classification Sherloc (09022015). Collection method: clinical testing. Allele origin: germline.
Comment: This sequence change replaces serine, which is neutral and polar, with asparagine, which is neutral and polar, at codon 81 of the CDT1 protein (p.Ser81Asn). This variant is not present in population databases (gnomAD no frequency). This variant has not been reported in the literature in individuals affected with CDT1-related conditions. ClinVar contains an entry for this variant (Variation ID: 1502692). An algorithm developed to predict the effect of missense changes on protein structure and function (PolyPhen-2) suggests that this variant is likely to be tolerated. In summary, the available evidence is currently insufficient to determine the role of this variant in disease. Therefore, it has been classified as a Variant of Uncertain Significance.

NM_030928.4(CDT1):c.242G>A (p.Ser81Asn)

Gene: CDT1 (chromatin licensing and DNA replication factor 1; plus strand). Cytogenetic location: 16q24.3.
Variant type: single nucleotide variant.
Coding change: c.242G>A on transcript NM_030928.4 (MANE Select); coding-DNA position 242, G replaced by A.
Protein change: p.Ser81Asn; replaces serine 81 with asparagine.
Molecular consequence: missense variant.
Genome position (GRCh38, 1-based): chr16:88,804,558, G>A. VCF-style: chr16-88804558-G-A. GRCh37 (hg19) VCF-style: chr16-88870966-G-A.
Other names: short protein forms S81N.
Identifiers: ClinVar variation 1502692 (VCV001502692.8), dbSNP rs762472427, ClinGen allele CA397070992.